The following is an entry in ClinVar:

ClinVar aggregate classification (germline): Likely benign. Review status: criteria provided, multiple submitters, no conflicts (2 of 4 stars). 2 submissions from 2 submitters: Likely benign (2). Last evaluated 2025-03-01.

Conditions:
Arrhythmogenic cardiomyopathy with wooly hair and keratoderma. Also called: Arrhythmogenic cardiomyopathy with woolly hair and keratoderma; PALMOPLANTAR KERATODERMA WITH LEFT VENTRICULAR CARDIOMYOPATHY AND WOOLLY HAIR; Carvajal syndrome; Dilated cardiomyopathy with woolly hair and keratoderma. Identifiers: Orphanet 65282, MedGen C1854063, MONDO:0011581, OMIM 605676.
Arrhythmogenic right ventricular dysplasia 8 (ARVD8). Also called: Arrhythmogenic Right Ventricular Dysplasia/Cardiomyopathy 8; ARRHYTHMOGENIC RIGHT VENTRICULAR CARDIOMYOPATHY 8; ARRHYTHMOGENIC RIGHT VENTRICULAR DYSPLASIA, FAMILIAL, 8. Identifiers: MedGen C1843896, MONDO:0011831, OMIM 607450.

Submissions (2):

CeGaT Center for Human Genetics Tuebingen
Classification: Likely benign. Last evaluated: 2025-03-01. Review status: criteria provided, single submitter. Criteria: CeGaT Center For Human Genetics Tuebingen Variant Classification Criteria Version 2. Collection method: clinical testing. Allele origin: germline. Affected: yes. Observed: 1 variant allele.
Comment: DSP: PM2:Supporting, BP4, BP7

Labcorp Genetics (formerly Invitae), Labcorp
Classification: Likely benign for Arrhythmogenic cardiomyopathy with wooly hair and keratoderma; Arrhythmogenic right ventricular dysplasia 8. Last evaluated: 2022-11-06. Review status: criteria provided, single submitter. Criteria: Invitae Variant Classification Sherloc (09022015). Collection method: clinical testing. Allele origin: germline.

NM_004415.4(DSP):c.8463G>A (p.Ser2821=)

Gene: DSP (desmoplakin; plus strand). Cytogenetic location: 6p24.3.
Variant type: single nucleotide variant.
Coding change: c.8463G>A on transcript NM_004415.4 (MANE Select); coding-DNA position 8463, G replaced by A.
Protein change: p.Ser2821=; no amino-acid change (serine 2821 retained).
Molecular consequence: synonymous variant.
Genome position (GRCh38, 1-based): chr6:7,585,725, G>A. VCF-style: chr6-7585725-G-A. GRCh37 (hg19) VCF-style: chr6-7585958-G-A.
Other names: c.6666G>A, p.Ser2222= (NM_001008844.3); c.7134G>A, p.Ser2378= (NM_001319034.2).
Identifiers: ClinVar variation 2933014 (VCV002933014.10), dbSNP rs2533951979, ClinGen allele CA448717215.